The following is an entry in ClinVar:

ClinVar aggregate classification (germline): Uncertain significance (1 of 4 stars; one submission).

Allele frequency attached by ClinVar (database versions not stated): gnomAD exomes below 0.00001.
gnomAD v4.1: 1 of 1,592,192 alleles (0.000063%); highest among the groups gnomAD compares: South Asian, 0.0012%; no homozygotes.

Submission:

Ambry Genetics
Classification: Uncertain significance. Last evaluated: 2022-01-12. Review status: criteria provided, single submitter. Criteria: Ambry Variant Classification Scheme 2023. Collection method: clinical testing. Allele origin: germline.
Comment: The p.N611K variant (also known as c.1833C>G), located in coding exon 17 of the PRKDC gene, results from a C to G substitution at nucleotide position 1833. The asparagine at codon 611 is replaced by lysine, an amino acid with similar properties. This amino acid position is conserved. In addition, this alteration is predicted to be tolerated by in silico analysis. Since supporting evidence is limited at this time, the clinical significance of this alteration remains unclear.

NM_006904.7(PRKDC):c.1833C>G (p.Asn611Lys)

Gene: PRKDC (protein kinase, DNA-activated, catalytic subunit; minus strand). Cytogenetic location: 8q11.21.
Variant type: single nucleotide variant.
Coding change: c.1833C>G on transcript NM_006904.7 (MANE Select); coding-DNA position 1833, C replaced by G.
Protein change: p.Asn611Lys; replaces asparagine 611 with lysine.
Molecular consequence: missense variant.
Genome position (GRCh38, 1-based): chr8:47,930,731, G>C on the plus strand (C>G on the coding strand, the complement: PRKDC is on the minus strand). VCF-style: chr8-47930731-G-C. GRCh37 (hg19) VCF-style: chr8-48843291-G-C.
Other names: c.1833C>G, p.Asn611Lys (NM_001081640.2); short protein forms N611K.
Identifiers: ClinVar variation 1780996 (VCV001780996.2), dbSNP rs2551878772, ClinGen allele CA371164749.